The following is an entry in ClinVar:

ClinVar aggregate classification (germline): Uncertain significance (1 of 4 stars; one submission).

Conditions:
Congenital contractural arachnodactyly (CCA). Also called: BEALS SYNDROME; Arthrogryposis, distal, type 9; Beals-Hecht syndrome. Identifiers: Orphanet 115, MedGen C0220668, MONDO:0007363, OMIM 121050.

gnomAD v4.1: 2 of 1,613,996 alleles (0.00012%); highest among the groups gnomAD compares: East Asian, 0.0022%; no homozygotes.

Submission:

Labcorp Genetics (formerly Invitae), Labcorp
Classification: Uncertain significance for Congenital contractural arachnodactyly. Last evaluated: 2024-01-20. Review status: criteria provided, single submitter. Criteria: Invitae Variant Classification Sherloc (09022015). Collection method: clinical testing. Allele origin: germline.
Comment: This sequence change replaces arginine, which is basic and polar, with leucine, which is neutral and non-polar, at codon 703 of the FBN2 protein (p.Arg703Leu). This variant is not present in population databases (gnomAD no frequency). This variant has not been reported in the literature in individuals affected with FBN2-related conditions. Advanced modeling of protein sequence and biophysical properties (such as structural, functional, and spatial information, amino acid conservation, physicochemical variation, residue mobility, and thermodynamic stability) performed at Invitae indicates that this missense variant is not expected to disrupt FBN2 protein function with a negative predictive value of 80%. In summary, the available evidence is currently insufficient to determine the role of this variant in disease. Therefore, it has been classified as a Variant of Uncertain Significance.

NM_001999.4(FBN2):c.2108G>T (p.Arg703Leu)

Gene: FBN2 (fibrillin 2; minus strand). Cytogenetic location: 5q23.3.
Variant type: single nucleotide variant.
Coding change: c.2108G>T on transcript NM_001999.4 (MANE Select); coding-DNA position 2108, G replaced by T.
Protein change: p.Arg703Leu; replaces arginine 703 with leucine.
Molecular consequence: missense variant.
Genome position (GRCh38, 1-based): chr5:128,369,322, C>A on the plus strand (G>T on the coding strand, the complement: FBN2 is on the minus strand). VCF-style: chr5-128369322-C-A. GRCh37 (hg19) VCF-style: chr5-127705015-C-A.
Other names: short protein forms R703L.
Identifiers: ClinVar variation 2917121 (VCV002917121.3), dbSNP rs567790419, ClinGen allele CA360739307.
Genomic context (GRCh38, chr5:128,369,322, plus strand): 5'-ACTGCACCGGGGAAAGGACGCACACACACTCCTTTCTTGATTCCTCCATAGCAGGTACTG[C>A]GCATGTGAGTATCTAAAGGAGATACAAAAACAATGACTTGAGGCAGTGATAGAGACAAAG-3'
Protein context (NP_001990.2, residues 693-713): DGRVCVDTHM[Arg703Leu]STCYGGIKKG